The following is an entry in ClinVar:

NM_000052.7(ATP7A):c.1336+65G>A

Gene: ATP7A (ATPase copper transporting alpha; plus strand). Cytogenetic location: Xq21.1.
Variant type: single nucleotide variant.
Coding change: c.1336+65G>A on transcript NM_000052.7 (MANE Select); 65 bases into the intron after coding-DNA position 1336, G replaced by A.
Molecular consequence: intron variant.
Genome position (GRCh38, 1-based): chrX:77,990,023, G>A. VCF-style: chrX-77990023-G-A. GRCh37 (hg19) VCF-style: chrX-77245519-G-A.
Other names: c.1336+65G>A (NM_001282224.2).
Identifiers: ClinVar variation 4822480 (VCV004822480.4).

ClinVar aggregate classification (germline): Likely benign (1 of 4 stars; one submission).

gnomAD v4.1: 97 of 1,181,300 alleles (0.0082%); highest among the groups gnomAD compares: Non-Finnish European, 0.011%; no homozygotes.

Submission:

CeGaT Center for Human Genetics Tuebingen
Classification: Likely benign. Last evaluated: 2026-01-01. Review status: criteria provided, single submitter. Criteria: CeGaT Center For Human Genetics Tuebingen Variant Classification Criteria Version 2. Collection method: clinical testing. Allele origin: germline. Affected: yes. Observed: 1 variant allele.
Comment: ATP7A: BS2